The following is an entry in ClinVar:

ClinVar aggregate classification (germline): Pathogenic. Review status: criteria provided, multiple submitters, no conflicts (2 of 4 stars). 2 submissions from 2 submitters: Pathogenic (2). Last evaluated 2024-12-12.

gnomAD v4.1: 16 of 1,613,504 alleles (0.00099%); highest among the groups gnomAD compares: Non-Finnish European, 0.0013%; no homozygotes.

Submissions (2):

Labcorp Genetics (formerly Invitae), Labcorp
Classification: Pathogenic. Last evaluated: 2024-12-12. Review status: criteria provided, single submitter. Criteria: Invitae Variant Classification Sherloc (09022015). Collection method: clinical testing. Allele origin: germline.
Comment: This sequence change creates a premature translational stop signal (p.Arg1206*) in the SZT2 gene. It is expected to result in an absent or disrupted protein product. Loss-of-function variants in SZT2 are known to be pathogenic (PMID: 23932106, 27248490, 28556953). This variant is present in population databases (rs748254246, gnomAD 0.006%). This variant has not been reported in the literature in individuals affected with SZT2-related conditions. For these reasons, this variant has been classified as Pathogenic.

GeneDx
Classification: Pathogenic. Last evaluated: 2024-12-11. Review status: criteria provided, single submitter. Criteria: GeneDx Variant Classification Process June 2021. Collection method: clinical testing. Allele origin: germline. Affected: yes.
Comment: Nonsense variant predicted to result in protein truncation or nonsense mediated decay in a gene for which loss of function is a known mechanism of disease; Not observed at significant frequency in large population cohorts (gnomAD); This variant is associated with the following publications: (PMID: 37867425)

Literature cited by the submitters: PubMed 23932106 (cited by Labcorp Genetics (formerly Invitae), Labcorp); PubMed 27248490 (cited by Labcorp Genetics (formerly Invitae), Labcorp); PubMed 28556953 (cited by Labcorp Genetics (formerly Invitae), Labcorp).

NM_001365999.1(SZT2):c.3787C>T (p.Arg1263Ter)

Gene: SZT2 (SZT2 subunit of KICSTOR complex; plus strand). Cytogenetic location: 1p34.2.
Variant type: single nucleotide variant.
Coding change: c.3787C>T on transcript NM_001365999.1 (MANE Select); coding-DNA position 3787, C replaced by T.
Protein change: p.Arg1263Ter; replaces arginine 1263 with a stop codon.
Molecular consequence: nonsense.
Genome position (GRCh38, 1-based): chr1:43,427,718, C>T. VCF-style: chr1-43427718-C-T. GRCh37 (hg19) VCF-style: chr1-43893389-C-T.
Other names: c.3616C>T (NM_015284.3); c.3616C>T, p.Arg1206Ter (NM_015284.4); short protein forms R1206*, R1263*.
Identifiers: ClinVar variation 3706837 (VCV003706837.3).